The following is an entry in ClinVar:

NM_003110.6(SP2):c.579C>T (p.Pro193=)

Genes: SP2 (Sp2 transcription factor; plus strand), SP2-AS1 (SP2 antisense RNA 1; minus strand). Cytogenetic location: 17q21.32.
Variant type: single nucleotide variant.
Coding change: c.579C>T on transcript NM_003110.6 (MANE Select); coding-DNA position 579, C replaced by T.
Protein change: p.Pro193=; no amino-acid change (proline 193 retained).
Molecular consequence: synonymous variant.
Genome position (GRCh38, 1-based): chr17:47,916,650, C>T. VCF-style: chr17-47916650-C-T. GRCh37 (hg19) VCF-style: chr17-45994016-C-T.
Identifiers: ClinVar variation 2647880 (VCV002647880.24), dbSNP rs764970167, ClinGen allele CA8628788.

ClinVar aggregate classification (germline): Likely benign (1 of 4 stars; one submission).

Allele frequency attached by ClinVar (database versions not stated): ExAC 0.00002.
gnomAD v4.1: 37 of 1,613,890 alleles (0.0023%); highest among the groups gnomAD compares: African/African-American, 0.0053%; no homozygotes.

Submission:

CeGaT Center for Human Genetics Tuebingen
Classification: Likely benign. Last evaluated: 2022-06-01. Review status: criteria provided, single submitter. Criteria: CeGaT Center For Human Genetics Tuebingen Variant Classification Criteria Version 2. Collection method: clinical testing. Allele origin: germline. Affected: yes. Observed: 1 variant allele.
Comment: SP2: BP4, BP7